The following is an entry in ClinVar:

NM_001382430.1(AKT1):c.175+100A>T

Gene: AKT1 (AKT serine/threonine kinase 1; minus strand). Cytogenetic location: 14q32.33.
Variant type: single nucleotide variant.
Coding change: c.175+100A>T on transcript NM_001382430.1 (MANE Select); 100 bases into the intron after coding-DNA position 175, A replaced by T.
Molecular consequence: intron variant.
Genome position (GRCh38, 1-based): chr14:104,779,988, T>A on the plus strand (A>T on the coding strand, the complement: AKT1 is on the minus strand). VCF-style: chr14-104779988-T-A. GRCh37 (hg19) VCF-style: chr14-105246325-T-A.
Other names: c.175+100A>T (NM_001014431.2, NM_001014432.2, NM_001382433.1 and 3 more transcripts).
Identifiers: ClinVar variation 695299 (VCV000695299.10), dbSNP rs2494737, ClinGen allele CA13952054.

ClinVar aggregate classification (germline): Benign. Review status: criteria provided, multiple submitters, no conflicts (2 of 4 stars). 3 submissions from 3 submitters: Benign (3). Last evaluated 2026-01-26.

Conditions:
Cowden syndrome 6 (CWS6). Identifiers: Orphanet 201, MedGen C3554519, MONDO:0014048, OMIM 615109.

Allele frequency attached by ClinVar (database versions not stated): gnomAD exomes 0.33328; TOPMed 0.41847; 1000 Genomes Project 0.51378; 1000 Genomes Project 30x 0.51234; gnomAD 0.39797 and 0.40521.
gnomAD v4.1: 513,190 of 1,502,850 alleles (34%); highest among the groups gnomAD compares: East Asian, 62%; 94,484 homozygotes.

Submissions (3):

Labcorp Genetics (formerly Invitae), Labcorp
Classification: Benign for Cowden syndrome 6. Last evaluated: 2026-01-26. Review status: criteria provided, single submitter. Criteria: Invitae Variant Classification Sherloc (09022015). Collection method: clinical testing. Allele origin: germline.

GeneDx
Classification: Benign. Last evaluated: 2019-01-10. Review status: criteria provided, single submitter. Criteria: GeneDx Variant Classification Process June 2021. Collection method: clinical testing. Allele origin: germline. Affected: yes.
Comment: This variant is associated with the following publications: (PMID: 27259051)

Breakthrough Genomics
Classification: Benign. Review status: criteria provided, single submitter. Criteria: ACMG Guidelines, 2015. Collection method: not provided. Allele origin: germline. Inheritance: Autosomal dominant inheritance. Affected: yes.